The following is an entry in ClinVar:

ClinVar aggregate classification (germline): Conflicting classifications of pathogenicity. Review status: criteria provided, conflicting classifications (1 of 4 stars). 2 submissions from 2 submitters: Pathogenic (1); Uncertain significance (1). Last evaluated 2025-12-15.

Allele frequency attached by ClinVar (database versions not stated): gnomAD exomes below 0.00001; TOPMed below 0.00001; ExAC 0.00002.
gnomAD v4.1: 1 of 1,608,152 alleles (0.000062%); highest among the groups gnomAD compares: Non-Finnish European, 0.000085%; no homozygotes.

Submissions (2):

Labcorp Genetics (formerly Invitae), Labcorp
Classification: Pathogenic. Last evaluated: 2025-12-15. Review status: criteria provided, single submitter. Criteria: Invitae Variant Classification Sherloc (09022015). Collection method: clinical testing. Allele origin: germline.
Comment: This sequence change replaces tyrosine, which is neutral and polar, with cysteine, which is neutral and slightly polar, at codon 1770 of the ABCA4 protein (p.Tyr1770Cys). This variant is present in population databases (rs760780770, gnomAD 0.007%). This missense change has been observed in individual(s) with clinical features of Stargardt disease (internal data). ClinVar contains an entry for this variant (Variation ID: 1064072). Invitae Evidence Modeling of protein sequence and biophysical properties (such as structural, functional, and spatial information, amino acid conservation, physicochemical variation, residue mobility, and thermodynamic stability) indicates that this missense variant is expected to disrupt ABCA4 protein function with a positive predictive value of 95%. This variant disrupts the p.Tyr1770 amino acid residue in ABCA4. Other variant(s) that disrupt this residue have been determined to be pathogenic (internal data). This suggests that this residue is clinically significant, and that variants that disrupt this residue are likely to be disease-causing. For these reasons, this variant has been classified as Pathogenic.

Blueprint Genetics
Classification: Uncertain significance. Last evaluated: 2022-12-21. Review status: criteria provided, single submitter. Criteria: ACMG Guidelines, 2015. Collection method: clinical testing. Allele origin: germline.

NM_000350.3(ABCA4):c.5309A>G (p.Tyr1770Cys)

Gene: ABCA4 (ATP binding cassette subfamily A member 4; minus strand). Cytogenetic location: 1p22.1.
Variant type: single nucleotide variant.
Coding change: c.5309A>G on transcript NM_000350.3 (MANE Select); coding-DNA position 5309, A replaced by G.
Protein change: p.Tyr1770Cys; replaces tyrosine 1770 with cysteine.
Molecular consequence: missense variant.
Genome position (GRCh38, 1-based): chr1:94,015,742, T>C on the plus strand (A>G on the coding strand, the complement: ABCA4 is on the minus strand). VCF-style: chr1-94015742-T-C. GRCh37 (hg19) VCF-style: chr1-94481298-T-C.
Other names: c.5087A>G, p.Tyr1696Cys (NM_001425324.1); short protein forms Y1770C, Y1696C.
Identifiers: ClinVar variation 1064072 (VCV001064072.9), dbSNP rs760780770, ClinGen allele CA957327.
Genomic context (GRCh38, chr1:94,015,742, plus strand): 5'-CACCCCCACCACCAGGCTTCTCTTCAGAGGCATTAGCTAATGGCCCAAACGGCTTACCCA[T>C]ACAGCAGGAGCAGTGCCACAAGGGCAGGAAGGTTTTCTGGAGAAGTGTAGGCTTTCTTCT-3'
Protein context (NP_000341.2, residues 1760-1780): LPALVALLLL[Tyr1770Cys]GWAVIPMMYP